The following is an entry in ClinVar:

NM_006618.5(KDM5B):c.551T>G (p.Leu184Ter)

Gene: KDM5B (lysine demethylase 5B; minus strand). Cytogenetic location: 1q32.1.
Variant type: single nucleotide variant.
Coding change: c.551T>G on transcript NM_006618.5 (MANE Select); coding-DNA position 551, T replaced by G.
Protein change: p.Leu184Ter; replaces leucine 184 with a stop codon.
Molecular consequence: nonsense.
Genome position (GRCh38, 1-based): chr1:202,773,143, A>C on the plus strand (T>G on the coding strand, the complement: KDM5B is on the minus strand). VCF-style: chr1-202773143-A-C. GRCh37 (hg19) VCF-style: chr1-202742271-A-C.
Other names: c.551T>G, p.Leu184Ter (NM_001314042.2, NM_001347591.2); c.536T>G, p.Leu179Ter (NM_001399817.1); short protein forms L184*, L179*.
Identifiers: ClinVar variation 859886 (VCV000859886.7), dbSNP rs1402872886, ClinGen allele CA344263069.

ClinVar aggregate classification (germline): Pathogenic (1 of 4 stars; one submission).

Submission:

Labcorp Genetics (formerly Invitae), Labcorp
Classification: Pathogenic. Last evaluated: 2024-09-21. Review status: criteria provided, single submitter. Criteria: Invitae Variant Classification Sherloc (09022015). Collection method: clinical testing. Allele origin: germline.
Comment: This sequence change creates a premature translational stop signal (p.Leu184*) in the KDM5B gene. It is expected to result in an absent or disrupted protein product. Loss-of-function variants in KDM5B are known to be pathogenic (PMID: 29276005, 30409806). This variant is not present in population databases (gnomAD no frequency). This variant has not been reported in the literature in individuals affected with KDM5B-related conditions. ClinVar contains an entry for this variant (Variation ID: 859886). For these reasons, this variant has been classified as Pathogenic.

Literature cited by the submitters: PubMed 29276005; PubMed 30409806.